The following is an entry in ClinVar:

ClinVar aggregate classification (germline): Likely benign. Review status: criteria provided, multiple submitters, no conflicts (2 of 4 stars). 4 submissions from 4 submitters: Likely benign (3). 1 of the submissions does not count toward it. Last evaluated 2025-12-31.

Conditions:
AP5Z1-related disorder. Also called: AP5Z1-related condition.
Hereditary spastic paraplegia 48. Also called: SPASTIC PARAPLEGIA 48, AUTOSOMAL RECESSIVE; Spastic paraplegia 48. Identifiers: Orphanet 306511, MedGen C3150901, MONDO:0013342, OMIM 613647.

Allele frequency attached by ClinVar (database versions not stated): ESP Exome Variant Server 0.00008; ExAC 0.00012; gnomAD 0.00013; TOPMed 0.00015; 1000 Genomes Project 30x 0.00016; 1000 Genomes Project 0.00020; gnomAD exomes 0.00031.
gnomAD v4.1: 475 of 1,613,916 alleles (0.029%); highest among the groups gnomAD compares: Middle Eastern, 0.082%; no homozygotes.

Submissions (4):

Labcorp Genetics (formerly Invitae), Labcorp
Classification: Likely benign for Hereditary spastic paraplegia 48. Last evaluated: 2025-12-31. Review status: criteria provided, single submitter. Criteria: Invitae Variant Classification Sherloc (09022015). Collection method: clinical testing. Allele origin: germline.

CeGaT Center for Human Genetics Tuebingen
Classification: Likely benign. Last evaluated: 2025-03-01. Review status: criteria provided, single submitter. Criteria: CeGaT Center For Human Genetics Tuebingen Variant Classification Criteria Version 2. Collection method: clinical testing. Allele origin: germline. Affected: yes. Observed: 2 variant alleles.
Comment: AP5Z1: BP4, BP7

Blueprint Genetics
Classification: Likely benign. Last evaluated: 2024-07-05. Review status: criteria provided, single submitter. Criteria: ACMG Guidelines, 2015. Collection method: clinical testing. Allele origin: germline.

PreventionGenetics, part of Exact Sciences
Classification: Likely benign for AP5Z1-related condition. Last evaluated: 2019-11-08. Review status: no assertion criteria provided. Collection method: clinical testing. Allele origin: germline. Not counted in ClinVar's aggregate classification.
Comment: This variant is classified as likely benign based on ACMG/AMP sequence variant interpretation guidelines (Richards et al. 2015 PMID: 25741868, with internal and published modifications).

NM_014855.3(AP5Z1):c.1266C>T (p.Ser422=)

Gene: AP5Z1 (adaptor related protein complex 5 subunit zeta 1; plus strand). Cytogenetic location: 7p22.1.
Variant type: single nucleotide variant.
Coding change: c.1266C>T on transcript NM_014855.3 (MANE Select); coding-DNA position 1266, C replaced by T.
Protein change: p.Ser422=; no amino-acid change (serine 422 retained).
Molecular consequence: synonymous variant. On other transcripts: non-coding transcript variant (1).
Genome position (GRCh38, 1-based): chr7:4,786,383, C>T. VCF-style: chr7-4786383-C-T. GRCh37 (hg19) VCF-style: chr7-4826014-C-T.
Other names: c.798C>T, p.Ser266= (NM_001364858.1); c.1266C>T (NM_014855.2).
Identifiers: ClinVar variation 2003975 (VCV002003975.30), dbSNP rs371998214, ClinGen allele CA4137704.